The following is an entry in ClinVar:

NM_004035.7(ACOX1):c.*3228T>G

Gene: ACOX1 (acyl-CoA oxidase 1; minus strand). Cytogenetic location: 17q25.1.
Variant type: single nucleotide variant.
Coding change: c.*3228T>G on transcript NM_004035.7 (MANE Select); 3228 bases downstream of the stop codon, T replaced by G.
Molecular consequence: 3 prime UTR variant.
Genome position (GRCh38, 1-based): chr17:75,943,520, A>C on the plus strand (T>G on the coding strand, the complement: ACOX1 is on the minus strand). VCF-style: chr17-75943520-A-C. GRCh37 (hg19) VCF-style: chr17-73939601-A-C.
Other names: c.*3228T>G (NM_001185039.2, NM_007292.6).
Identifiers: ClinVar variation 889462 (VCV000889462.5), dbSNP rs142553986, ClinGen allele CA294104408.

ClinVar aggregate classification (germline): Benign. Review status: criteria provided, multiple submitters, no conflicts (2 of 4 stars). 2 submissions from 2 submitters: Benign (2). Last evaluated 2018-01-13.

Conditions:
Acyl-CoA oxidase deficiency. Also called: STRAIGHT-CHAIN ACYL-CoA OXIDASE DEFICIENCY; Pseudoneonatal adrenoleukodystrophy; Peroxisomal acyl-CoA oxidase deficiency. Identifiers: Orphanet 2971, MedGen C1849678, MONDO:0009919, OMIM 264470. Disease mechanism: loss of function.

Allele frequency attached by ClinVar (database versions not stated): gnomAD 0.00049 and 0.00090; TOPMed 0.00096; 1000 Genomes Project 0.00479; 1000 Genomes Project 30x 0.00500.

Submissions (2):

Illumina Laboratory Services, Illumina
Classification: Benign for Acyl-CoA oxidase deficiency. Last evaluated: 2018-01-13. Review status: criteria provided, single submitter. Criteria: ICSL Variant Classification Criteria 13 December 2019. Collection method: clinical testing. Allele origin: germline.
Comment: This variant was observed in the ICSL laboratory as part of a predisposition screen in an ostensibly healthy population. It had not been previously curated by ICSL or reported in the Human Gene Mutation Database (HGMD: prior to June 1st, 2018), and was therefore a candidate for classification through an automated scoring system. Utilizing variant allele frequency, disease prevalence and penetrance estimates, and inheritance mode, an automated score was calculated to assess if this variant is too frequent to cause the disease. Based on the score and internal cut-off values, a variant classified as benign is not then subjected to further curation. The score for this variant resulted in a classification of benign for this disease.

Breakthrough Genomics
Classification: Benign. Review status: criteria provided, single submitter. Criteria: ACMG Guidelines, 2015. Collection method: not provided. Allele origin: germline. Inheritance: Autosomal recessive inheritance. Affected: yes.